The following is an entry in ClinVar:

NM_001486.4(GCKR):c.776G>A (p.Arg259Gln)

Gene: GCKR (glucokinase regulator; plus strand). Cytogenetic location: 2p23.3.
Variant type: single nucleotide variant.
Coding change: c.776G>A on transcript NM_001486.4 (MANE Select); coding-DNA position 776, G replaced by A.
Protein change: p.Arg259Gln; replaces arginine 259 with glutamine.
Molecular consequence: missense variant.
Genome position (GRCh38, 1-based): chr2:27,505,743, G>A. VCF-style: chr2-27505743-G-A. GRCh37 (hg19) VCF-style: chr2-27728610-G-A.
Other names: short protein forms R259Q.
Identifiers: ClinVar variation 4804078 (VCV004804078.1).

ClinVar aggregate classification (germline): Uncertain significance (1 of 4 stars; one submission).

gnomAD v4.1: 43 of 1,610,994 alleles (0.0027%); highest among the groups gnomAD compares: East Asian, 0.018%; no homozygotes.

Submission:

Labcorp Genetics (formerly Invitae), Labcorp
Classification: Uncertain significance. Last evaluated: 2026-01-23. Review status: criteria provided, single submitter. Criteria: Invitae Variant Classification Sherloc (09022015). Collection method: clinical testing. Allele origin: germline.
Comment: This sequence change replaces arginine, which is basic and polar, with glutamine, which is neutral and polar, at codon 259 of the GCKR protein (p.Arg259Gln). This variant is present in population databases (rs146168012, gnomAD 0.05%). This variant has not been reported in the literature in individuals affected with GCKR-related conditions. Invitae Evidence Modeling of protein sequence and biophysical properties (such as structural, functional, and spatial information, amino acid conservation, physicochemical variation, residue mobility, and thermodynamic stability) indicates that this missense variant is expected to disrupt GCKR protein function with a positive predictive value of 80%. In summary, the available evidence is currently insufficient to determine the role of this variant in disease. Therefore, it has been classified as a Variant of Uncertain Significance.